The following is an entry in ClinVar:

NM_000439.5(PCSK1):c.1508C>T (p.Ser503Phe)

Genes: CAST (calpastatin; plus strand), PCSK1 (proprotein convertase subtilisin/kexin type 1; minus strand), LOC101929710 (uncharacterized LOC101929710; plus strand). Cytogenetic location: 5q15.
Variant type: single nucleotide variant.
Coding change: c.1508C>T on transcript NM_000439.5 (MANE Select); coding-DNA position 1508, C replaced by T.
Protein change: p.Ser503Phe; replaces serine 503 with phenylalanine.
Molecular consequence: missense variant. On other transcripts: intron variant (11).
Genome position (GRCh38, 1-based): chr5:96,398,959, G>A on the plus strand (C>T on the coding strand, the complement: PCSK1 is on the minus strand). VCF-style: chr5-96398959-G-A. GRCh37 (hg19) VCF-style: chr5-95734663-G-A.
Other names: c.1367C>T, p.Ser456Phe (NM_001177875.2); c.-175+19307G>A (NM_001423254.1, NM_001423259.1, NM_001423255.1 and 6 more transcripts); c.-103+19307G>A (NM_001423253.1); c.-40+19307G>A (NM_001423258.1); short protein forms S456F, S503F.
Identifiers: ClinVar variation 4984838 (VCV004984838.1).

ClinVar aggregate classification (germline): Uncertain significance (1 of 4 stars; one submission).

Conditions:
PCSK1-related disorder. Also called: PCSK1-related condition.

gnomAD v4.1: 3 of 1,612,390 alleles (0.00019%); highest among the groups gnomAD compares: Admixed American, 0.0033%; no homozygotes.

Submission:

PreventionGenetics, part of Exact Sciences
Classification: Uncertain significance for PCSK1-related condition. Last evaluated: 2026-07-07. Review status: criteria provided, single submitter. Criteria: ACMG Guidelines, 2015. Collection method: clinical testing. Allele origin: germline.
Comment: The PCSK1 c.1508C>T variant is predicted to result in the amino acid substitution p.Ser503Phe. To our knowledge, this variant has not been reported in the literature. This variant is reported in 0.0029% of alleles in individuals of Latino descent in gnomAD. At this time, the clinical significance of this variant is uncertain due to the absence of conclusive functional and genetic evidence.